The following is an entry in ClinVar:

NM_001182.5(ALDH7A1):c.871+1G>A

Gene: ALDH7A1 (aldehyde dehydrogenase 7 family member A1; minus strand). Cytogenetic location: 5q23.2.
Variant type: single nucleotide variant.
Coding change: c.871+1G>A on transcript NM_001182.5 (MANE Select); the canonical splice donor site of the intron after coding-DNA position 871, G replaced by A.
Molecular consequence: splice donor variant.
Genome position (GRCh38, 1-based): chr5:126,568,258, C>T on the plus strand (G>A on the coding strand, the complement: ALDH7A1 is on the minus strand). VCF-style: chr5-126568258-C-T. GRCh37 (hg19) VCF-style: chr5-125903950-C-T.
Other names: c.871+1G>A (NM_001202404.2); c.787+1G>A (NM_001201377.2).
Identifiers: ClinVar variation 3613665 (VCV003613665.3).

ClinVar aggregate classification (germline): Pathogenic. Review status: criteria provided, multiple submitters, no conflicts (2 of 4 stars). 2 submissions from 2 submitters: Pathogenic (2). Last evaluated 2025-06-23.

Conditions:
Pyridoxine-dependent epilepsy (EPEO4). Also called: Pyridoxine-Dependent Seizures; PYRIDOXINE DEPENDENCY WITH SEIZURES; Pyridoxine-Dependent Epilepsy - ALDH7A1; EPILEPSY, EARLY-ONSET, 4, VITAMIN B6-DEPENDENT. Identifiers: Orphanet 3006, MedGen C1849508, MONDO:0009945, OMIM 266100. Disease mechanism: loss of function.

gnomAD v4.1: 1 of 1,614,038 alleles (0.000062%); highest among the groups gnomAD compares: Non-Finnish European, 0.000085%; no homozygotes.

Submissions (2):

GeneDx
Classification: Pathogenic. Last evaluated: 2025-06-23. Review status: criteria provided, single submitter. Criteria: GeneDx Variant Classification Process June 2021. Collection method: clinical testing. Allele origin: germline. Affected: yes.
Comment: Observed with a pathogenic variant in a patient with ALDH7A1-related pyridoxine-dependent epilepsy in published literature, but it is not known whether the variants occurred on the same (in cis) or on different (in trans) alleles (PMID: 30043187); Canonical splice site variant predicted to result in a null allele in a gene for which loss of function is a known mechanism of disease; Not observed at significant frequency in large population cohorts (gnomAD); This variant is associated with the following publications: (PMID: 30043187)

Labcorp Genetics (formerly Invitae), Labcorp
Classification: Pathogenic for Pyridoxine-dependent epilepsy. Last evaluated: 2024-11-07. Review status: criteria provided, single submitter. Criteria: Invitae Variant Classification Sherloc (09022015). Collection method: clinical testing. Allele origin: germline.
Comment: This sequence change affects a donor splice site in intron 9 of the ALDH7A1 gene. It is expected to disrupt RNA splicing. Variants that disrupt the donor or acceptor splice site typically lead to a loss of protein function (PMID: 16199547), and loss-of-function variants in ALDH7A1 are known to be pathogenic (PMID: 16491085, 20554659). This variant is not present in population databases (gnomAD no frequency). Disruption of this splice site has been observed in individual(s) with pyridoxine-dependent epilepsy (PMID: 23350806, 30043187). Algorithms developed to predict the effect of sequence changes on RNA splicing suggest that this variant may disrupt the consensus splice site. For these reasons, this variant has been classified as Pathogenic.

Literature cited by the submitters: PubMed 16199547 (cited by Labcorp Genetics (formerly Invitae), Labcorp); PubMed 16491085 (cited by Labcorp Genetics (formerly Invitae), Labcorp); PubMed 20554659 (cited by Labcorp Genetics (formerly Invitae), Labcorp); PubMed 23350806 (cited by Labcorp Genetics (formerly Invitae), Labcorp); PubMed 30043187 (cited by Labcorp Genetics (formerly Invitae), Labcorp).